The following is an entry in ClinVar:

ClinVar aggregate classification (germline): Uncertain significance (1 of 4 stars; one submission).

Conditions:
Hereditary cancer-predisposing syndrome. Also called: Neoplastic Syndromes, Hereditary; Tumor predisposition; Hereditary Cancer Syndrome; Hereditary neoplastic syndrome. Identifiers: Orphanet 140162, MedGen C0027672, MeSH D009386, MONDO:0015356.

Submission:

Color Diagnostics, LLC DBA Color Health
Classification: Uncertain significance for Hereditary cancer-predisposing syndrome. Last evaluated: 2024-02-20. Review status: criteria provided, single submitter. Criteria: ACMG Guidelines, 2015. Collection method: clinical testing. Allele origin: germline.
Comment: This variant deletes two nucleotides and inserts two nucleotides at position +5 and +6 in intron 4/16 of the BAP1 gene. To our knowledge, functional studies have not been reported for this variant. This variant has not been reported in individuals affected with BAP1-related disorders in the literature. This variant has not been identified in the general population by the Genome Aggregation Database (gnomAD). The available evidence is insufficient to determine the role of this variant in disease conclusively. Therefore, this variant is classified as a Variant of Uncertain Significance.

NM_004656.4(BAP1):c.255+6_255+7delinsGG

Gene: BAP1 (BRCA1 associated deubiquitinase 1; minus strand). Cytogenetic location: 3p21.1.
Variant type: Indel.
Coding change: c.255+6_255+7delinsGG on transcript NM_004656.4 (MANE Select); bases 6 to 7 of the intron after coding-DNA position 255, CT replaced by GG.
Molecular consequence: intron variant.
Genome position (GRCh38, 1-based): chr3:52,408,467-52,408,468, AG replaced by CC on the plus strand (CT replaced by GG on the coding strand, the reverse complement: BAP1 is on the minus strand). VCF-style: chr3-52408467-AG-CC. GRCh37 (hg19) VCF-style: chr3-52442483-AG-CC.
Other names: c.255+6_255+7delinsGG (NM_001410772.1).
Identifiers: ClinVar variation 3894494 (VCV003894494.1).